The following is an entry in ClinVar:

NM_004667.6(HERC2):c.10005C>T (p.His3335=)

Gene: HERC2 (HECT and RLD domain containing E3 ubiquitin protein ligase 2; minus strand). Cytogenetic location: 15q13.1.
Variant type: single nucleotide variant.
Coding change: c.10005C>T on transcript NM_004667.6 (MANE Select); coding-DNA position 10005, C replaced by T.
Protein change: p.His3335=; no amino-acid change (histidine 3335 retained).
Molecular consequence: synonymous variant.
Genome position (GRCh38, 1-based): chr15:28,174,447, G>A on the plus strand (C>T on the coding strand, the complement: HERC2 is on the minus strand). VCF-style: chr15-28174447-G-A. GRCh37 (hg19) VCF-style: chr15-28419593-G-A.
Identifiers: ClinVar variation 4821697 (VCV004821697.5).

ClinVar aggregate classification (germline): Likely benign. Review status: criteria provided, multiple submitters, no conflicts (2 of 4 stars). 2 submissions from 2 submitters: Likely benign (2). Last evaluated 2025-12-01.

gnomAD v4.1: 376 of 1,613,282 alleles (0.023%); highest among the groups gnomAD compares: African/African-American, 0.2%; 1 homozygote.

Submissions (2):

CeGaT Center for Human Genetics Tuebingen
Classification: Likely benign. Last evaluated: 2025-12-01. Review status: criteria provided, single submitter. Criteria: CeGaT Center For Human Genetics Tuebingen Variant Classification Criteria Version 2. Collection method: clinical testing. Allele origin: germline. Affected: yes. Observed: 1 variant allele.
Comment: HERC2: BP4, BP7

Blueprint Genetics
Classification: Likely benign. Last evaluated: 2024-11-13. Review status: criteria provided, single submitter. Criteria: ACMG Guidelines, 2015. Collection method: clinical testing. Allele origin: germline.